The following is an entry in ClinVar:

ClinVar aggregate classification (germline): Pathogenic. Review status: criteria provided, multiple submitters, no conflicts (2 of 4 stars). 6 submissions from 6 submitters: Pathogenic (5). 1 of the submissions does not count toward it. Last evaluated 2025-11-30.

Conditions:
Metachromatic leukodystrophy (MLD). Also called: METACHROMATIC LEUKOENCEPHALOPATHY; Arylsulfatase A Deficiency; Cerebral sclerosis diffuse metachromatic form; CEREBROSIDE SULFATASE DEFICIENCY; ARSA DEFICIENCY; SULFATIDE LIPIDOSIS. Identifiers: Orphanet 512, MedGen C0023522, MONDO:0018868, OMIM 250100.
ARSA-related disorder. Also called: ARSA-related condition.

Submissions (6):

Labcorp Genetics (formerly Invitae), Labcorp
Classification: Pathogenic for Metachromatic leukodystrophy. Last evaluated: 2025-11-30. Review status: criteria provided, single submitter. Criteria: Invitae Variant Classification Sherloc (09022015). Collection method: clinical testing. Allele origin: germline.
Comment: This sequence change creates a premature translational stop signal (p.Pro166Leufs*32) in the ARSA gene. It is expected to result in an absent or disrupted protein product. Loss-of-function variants in ARSA are known to be pathogenic (PMID: 8962139, 10477432). This variant is present in population databases (no rsID available, gnomAD 0.003%). This premature translational stop signal has been observed in individual(s) with metachromatic leukodystrophy (PMID: 12809638, 14517960). This variant is also known as c.489_495del, p.Pro163fs or 752_758delGCCGGCC. ClinVar contains an entry for this variant (Variation ID: 371638). Algorithms developed to predict the effect of sequence changes on RNA splicing suggest that this variant may create or strengthen a splice site. For these reasons, this variant has been classified as Pathogenic.

Natera, Inc.
Classification: Pathogenic for Metachromatic leukodystrophy. Last evaluated: 2025-11-19. Review status: criteria provided, single submitter. Criteria: Natera Variant Classification Schema (03/2026). Collection method: clinical testing. Allele origin: germline.
Comment: The c.495_501delGCCGGCC variant in ARSA is a frameshift variant predicted to shift the reading frame beginning at codon 166 and leads to a stop codon 32 codons downstream. This variant is expected to result in nonsense mediated decay, truncation, or a dysfunctional protein product. This variant is rare in the general population with a frequency below the threshold expected for the associated phenotype(s). This variant has been observed in one or more individuals affected with the associated recessive disease, as either homozygous or compound heterozygous with a second variant (PMID: 12809638). Given the available evidence, this variant is classified as Pathogenic.

Blueprint Genetics
Classification: Pathogenic for ARSA-related disorders. Last evaluated: 2024-11-21. Review status: criteria provided, single submitter. Criteria: ACMG Guidelines, 2015. Collection method: clinical testing. Allele origin: germline. Affected: yes. Observed: 5 variant alleles.

GeneDx
Classification: Pathogenic. Last evaluated: 2024-06-04. Review status: criteria provided, single submitter. Criteria: GeneDx Variant Classification Process June 2021. Collection method: clinical testing. Allele origin: germline. Affected: yes.
Comment: Frameshift variant predicted to result in protein truncation or nonsense mediated decay in a gene for which loss of function is a known mechanism of disease; Not observed at significant frequency in large population cohorts (gnomAD); Previously reported as c.489_495del & c.752_758del due to the use of alternate nomenclature; This variant is associated with the following publications: (PMID: 33951919, 12809638, 14517960)

Women's Health and Genetics/Laboratory Corporation of America, LabCorp
Classification: Pathogenic for Metachromatic leukodystrophy. Last evaluated: 2022-06-28. Review status: criteria provided, single submitter. Criteria: LabCorp Variant Classification Summary - May 2015. Collection method: clinical testing. Allele origin: germline.
Comment: Variant summary: ARSA c.495_501delGCCGGCC (p.Pro166LeufsX32) results in a premature termination codon, predicted to cause a truncation of the encoded protein or absence of the protein due to nonsense mediated decay, which are commonly known mechanisms for disease. Truncations downstream of this position have been classified as pathogenic by our laboratory. The variant allele was found at a frequency of 8.2e-06 in 243028 control chromosomes (gnomAD). c.495_501delGCCGGCC has been reported in the literature in individuals affected with Metachromatic Leukodystrophy (e.g. Eng_2003, Coulter-Mackie_2003), including one case where it was confirmed to be in trans with a pathogenic variant. These data indicate that the variant is likely to be associated with disease. Four clinical diagnostic laboratories have submitted clinical-significance assessments for this variant to ClinVar after 2014 and all classified the variant as pathogenic. Based on the evidence outlined above, the variant was classified as pathogenic.

Counsyl
Classification: Pathogenic for Metachromatic leukodystrophy. Last evaluated: 2016-11-04. Review status: no assertion criteria provided. Collection method: clinical testing. Allele origin: unknown. Not counted in ClinVar's aggregate classification.

Literature cited by the submitters: PubMed 8962139 (cited by Labcorp Genetics (formerly Invitae), Labcorp); PubMed 10477432 (cited by Labcorp Genetics (formerly Invitae), Labcorp); PubMed 12809638 (cited by 4 submitters); PubMed 14517960 (cited by 3 submitters).

NM_000487.6(ARSA):c.495_501del (p.Pro166fs)

Gene: ARSA (arylsulfatase A; minus strand). Cytogenetic location: 22q13.33.
Variant type: Deletion.
Coding change: c.495_501del on transcript NM_000487.6 (MANE Select); coding-DNA positions 495 to 501, 7 bases deleted (GCCGGCC; older notation c.495_501delGCCGGCC).
Protein change: p.Pro166fs; shifts the reading frame from proline 166.
Molecular consequence: frameshift variant.
Genome position (GRCh38, 1-based): chr22:50,627,017-50,627,023, GGCCGGC deleted on the plus strand (GCCGGCC on the coding strand, the reverse complement: ARSA is on the minus strand); deleting any 7 consecutive bases within chr22:50,627,017-50,627,025 gives the same sequence; the c. name uses the placement nearest the transcript's 3' end. VCF-style (leftmost placement, unchanged base first): chr22-50627016-TGGCCGGC-T. GRCh37 (hg19) VCF-style: chr22-51065444-TGGCCGGC-T.
Other names: c.495_501del, p.Pro166fs (NM_001085425.3, NM_001085426.3, NM_001085427.3); c.237_243del, p.Pro80fs (NM_001085428.3, NM_001362782.2); c.495_501delGCCGGCC (NM_000487.5); c.495_501del7 (NM_000487.5); short protein forms P166fs, P80fs.
Identifiers: ClinVar variation 371638 (VCV000371638.18), dbSNP rs1057517429, ClinGen allele CA16042041.
Genomic context (GRCh38, chr22:50,627,016, plus strand): 5'-ACAGGTTGGCCAACAGTGGGATGGGGACCAGGCCCTGGTCACAGCCACCGTCGCAAGGAG[TGGCCGGC>T]GGGAAGCAGGTCAGGTTCTGGCAGGGGCCCTGAGGCGGGCAGCTGCCGTGAGGGCTGGGC-3'